The following is an entry in ClinVar:

ClinVar aggregate classification (germline): Uncertain significance (1 of 4 stars; one submission).

Allele frequency attached by ClinVar (database versions not stated): gnomAD exomes below 0.00001.
gnomAD v4.1: 1 of 1,559,758 alleles (0.000064%); highest among the groups gnomAD compares: Non-Finnish European, 0.000087%; no homozygotes.

Submission:

GeneDx
Classification: Uncertain significance. Last evaluated: 2021-04-02. Review status: criteria provided, single submitter. Criteria: GeneDx Variant Classification Process June 2021. Collection method: clinical testing. Allele origin: germline. Affected: yes.
Comment: Has not been previously published as pathogenic or benign to our knowledge; In silico analysis supports that this missense variant has a deleterious effect on protein structure/function; Not observed in large population cohorts (Lek et al., 2016)

NM_020719.3(PRR12):c.5618C>T (p.Thr1873Met)

Gene: PRR12 (proline rich 12; plus strand). Cytogenetic location: 19q13.33.
Variant type: single nucleotide variant.
Coding change: c.5618C>T on transcript NM_020719.3 (MANE Select); coding-DNA position 5618, C replaced by T.
Protein change: p.Thr1873Met; replaces threonine 1873 with methionine.
Molecular consequence: missense variant.
Genome position (GRCh38, 1-based): chr19:49,620,472, C>T. VCF-style: chr19-49620472-C-T. GRCh37 (hg19) VCF-style: chr19-50123729-C-T.
Other names: short protein forms T1873M.
Identifiers: ClinVar variation 1189808 (VCV001189808.2), dbSNP rs2122372618, ClinGen allele CA406841019.